The following is an entry in ClinVar:

ClinVar aggregate classification (germline): Uncertain significance (1 of 4 stars; one submission).

Conditions:
CUBN-related disorder. Also called: CUBN-related condition.

Allele frequency attached by ClinVar (database versions not stated): ExAC 0.00001; gnomAD 0.00001; TOPMed 0.00001; 1000 Genomes Project 30x 0.00016; 1000 Genomes Project 0.00020.
gnomAD v4.1: 21 of 1,614,056 alleles (0.0013%); highest among the groups gnomAD compares: Non-Finnish European, 0.0017%; no homozygotes.

Submission:

PreventionGenetics, part of Exact Sciences
Classification: Uncertain significance for CUBN-related condition. Last evaluated: 2023-07-03. Review status: criteria provided, single submitter. Criteria: ACMG Guidelines, 2015. Collection method: clinical testing. Allele origin: germline.
Comment: The CUBN c.18A>T variant is predicted to result in the amino acid substitution p.Leu6Phe. To our knowledge, this variant has not been reported in the literature. This variant is reported in 0.0033% of alleles in individuals of South Asian descent in gnomAD. At this time, the clinical significance of this variant is uncertain due to the absence of conclusive functional and genetic evidence.

NM_001081.4(CUBN):c.18A>T (p.Leu6Phe)

Gene: CUBN (cubilin; minus strand). Cytogenetic location: 10p13.
Variant type: single nucleotide variant.
Coding change: c.18A>T on transcript NM_001081.4 (MANE Select); coding-DNA position 18, A replaced by T.
Protein change: p.Leu6Phe; replaces leucine 6 with phenylalanine.
Molecular consequence: missense variant.
Genome position (GRCh38, 1-based): chr10:17,129,748, T>A on the plus strand (A>T on the coding strand, the complement: CUBN is on the minus strand). VCF-style: chr10-17129748-T-A. GRCh37 (hg19) VCF-style: chr10-17171747-T-A.
Other names: short protein forms L6F.
Identifiers: ClinVar variation 2635921 (VCV002635921.1), dbSNP rs567627753, ClinGen allele CA5425813.